The following is an entry in ClinVar:

ClinVar aggregate classification (germline): Uncertain significance (1 of 4 stars; one submission).

Submission:

Labcorp Genetics (formerly Invitae), Labcorp
Classification: Uncertain significance. Last evaluated: 2022-06-22. Review status: criteria provided, single submitter. Criteria: Invitae Variant Classification Sherloc (09022015). Collection method: clinical testing. Allele origin: germline.
Comment: This sequence change replaces isoleucine, which is neutral and non-polar, with asparagine, which is neutral and polar, at codon 866 of the NAA15 protein (p.Ile866Asn). Algorithms developed to predict the effect of missense changes on protein structure and function are either unavailable or do not agree on the potential impact of this missense change (SIFT: "Deleterious"; PolyPhen-2: "Possibly Damaging"; Align-GVGD: "Class C0"). This variant has not been reported in the literature in individuals affected with NAA15-related conditions. This variant is not present in population databases (gnomAD no frequency). In summary, the available evidence is currently insufficient to determine the role of this variant in disease. Therefore, it has been classified as a Variant of Uncertain Significance.

NM_057175.5(NAA15):c.2597T>A (p.Ile866Asn)

Gene: NAA15 (N-alpha-acetyltransferase 15, NatA auxiliary subunit; plus strand). Cytogenetic location: 4q31.1.
Variant type: single nucleotide variant.
Coding change: c.2597T>A on transcript NM_057175.5 (MANE Select); coding-DNA position 2597, T replaced by A.
Protein change: p.Ile866Asn; replaces isoleucine 866 with asparagine.
Molecular consequence: missense variant.
Genome position (GRCh38, 1-based): chr4:139,388,080, T>A. VCF-style: chr4-139388080-T-A. GRCh37 (hg19) VCF-style: chr4-140309234-T-A.
Other names: c.2594T>A, p.Ile865Asn (NM_001410842.1); c.*1006T>A (NM_025085.2); short protein forms I866N, I865N.
Identifiers: ClinVar variation 1902237 (VCV001902237.5), dbSNP rs2530489788, ClinGen allele CA358271529.